The following is an entry in ClinVar:

ClinVar aggregate classification (germline): Likely benign (1 of 4 stars; one submission).

Allele frequency attached by ClinVar (database versions not stated): 1000 Genomes Project 30x 0.00406; 1000 Genomes Project 0.00439; TOPMed 0.00716; gnomAD 0.00809 and 0.00822; gnomAD exomes 0.00922.
gnomAD v4.1: 6,165 of 696,442 alleles (0.89%); highest among the groups gnomAD compares: Non-Finnish European, 1.2%; 43 homozygotes.

Submission:

GeneDx
Classification: Likely benign. Last evaluated: 2018-06-14. Review status: criteria provided, single submitter. Criteria: GeneDx Variant Classification (06012015). Collection method: clinical testing. Allele origin: germline. Affected: yes.
Comment: This variant is considered likely benign or benign based on one or more of the following criteria: it is a conservative change, it occurs at a poorly conserved position in the protein, it is predicted to be benign by multiple in silico algorithms, and/or has population frequency not consistent with disease.

NM_004304.5(ALK):c.3646-148A>G

Gene: ALK (ALK receptor tyrosine kinase; minus strand). Cytogenetic location: 2p23.2.
Variant type: single nucleotide variant.
Coding change: c.3646-148A>G on transcript NM_004304.5 (MANE Select); 148 bases into the intron before coding-DNA position 3646, A replaced by G.
Molecular consequence: intron variant.
Genome position (GRCh38, 1-based): chr2:29,214,229, T>C on the plus strand (A>G on the coding strand, the complement: ALK is on the minus strand). VCF-style: chr2-29214229-T-C. GRCh37 (hg19) VCF-style: chr2-29437095-T-C.
Other names: c.442-148A>G (NM_001353765.2).
Identifiers: ClinVar variation 676870 (VCV000676870.1), dbSNP rs115332650, ClinGen allele CA11247820.